The following is an entry in ClinVar:

ClinVar aggregate classification (germline): Uncertain significance (1 of 4 stars; one submission).

Conditions:
Severe myoclonic epilepsy in infancy (DRVT). Also called: Epileptic encephalopathy, early infantile, 6 (Dravet syndrome); Dravet syndrome; SEVERE MYOCLONIC EPILEPSY OF INFANCY; DEVELOPMENTAL AND EPILEPTIC ENCEPHALOPATHY 6A; Severe Myoclonic Epilepsy in Infancy (SMEI). Identifiers: Orphanet 33069, MedGen C0751122, MONDO:0100135, OMIM 607208.

Submission:

Baylor Genetics
Classification: Uncertain significance for Severe myoclonic epilepsy in infancy. Last evaluated: 2020-06-03. Review status: criteria provided, single submitter. Criteria: ACMG Guidelines, 2015. Collection method: clinical testing. Allele origin: unknown. Affected: yes.
Comment: This variant was determined to be of uncertain significance according to ACMG Guidelines, 2015 [PMID:25741868].

NM_001365536.1(SCN9A):c.1079A>G (p.Gln360Arg)

Genes: SCN9A (sodium voltage-gated channel alpha subunit 9; minus strand), SCN1A-AS1 (SCN1A and SCN9A antisense RNA 1; plus strand). Cytogenetic location: 2q24.3.
Variant type: single nucleotide variant.
Coding change: c.1079A>G on transcript NM_001365536.1 (MANE Select); coding-DNA position 1079, A replaced by G.
Protein change: p.Gln360Arg; replaces glutamine 360 with arginine.
Molecular consequence: missense variant.
Genome position (GRCh38, 1-based): chr2:166,293,259, T>C on the plus strand (A>G on the coding strand, the complement: SCN9A is on the minus strand). VCF-style: chr2-166293259-T-C. GRCh37 (hg19) VCF-style: chr2-167149769-T-C.
Other names: c.1079A>G, p.Gln360Arg (NM_002977.4); short protein forms Q360R.
Identifiers: ClinVar variation 1030610 (VCV001030610.1), dbSNP rs1698156445, ClinGen allele CA349088874.